The following is an entry in ClinVar:

ClinVar aggregate classification (germline): Pathogenic/Likely pathogenic. Review status: criteria provided, multiple submitters, no conflicts (2 of 4 stars). 8 submissions from 8 submitters: Pathogenic (4); Likely pathogenic (4). Last evaluated 2026-04-03.

Conditions:
Cerebral arteriopathy, autosomal dominant, with subcortical infarcts and leukoencephalopathy, type 1 (CADASIL1). Also called: CADASIL 1; Cerebral arteriopathy with subcortical infarcts and leukoencephalopathy 1; DEMENTIA, HEREDITARY MULTIINFARCT TYPE; CASIL. Identifiers: Orphanet 136, MedGen C4551768, MONDO:0000914, OMIM 125310.
NOTCH3-related disorder. Also called: NOTCH3-related condition; NOTCH3-related disorders.
Myofibromatosis, infantile, 2. Identifiers: Orphanet 2591, MedGen C3809084, MONDO:0014122, OMIM 615293.
Familial partial lipodystrophy, Kobberling type. Also called: Familial partial lipodystrophy 1. Identifiers: Orphanet 79084, MedGen C1720859, MONDO:0012072, OMIM 608600.
Lateral meningocele syndrome (LMNS). Also called: NOTCH3-Related Lateral Meningocele Syndrome. Identifiers: Orphanet 2789, MedGen C1851710, MONDO:0007537, OMIM 130720.
Cerebral arteriopathy, autosomal recessive, with subcortical infarcts and leukoencephalopathy 1. Identifiers: MedGen C6065897, MONDO:0979867, OMIM 621295.

gnomAD v4.1: 8 of 1,614,080 alleles (0.0005%); highest among the groups gnomAD compares: Middle Eastern, 0.016%; no homozygotes.

Submissions (8):

GeneDx
Classification: Likely pathogenic. Last evaluated: 2026-04-03. Review status: criteria provided, single submitter. Criteria: GeneDx Variant Classification Process June 2021. Collection method: clinical testing. Allele origin: germline.
Comment: Not observed at significant frequency in large population cohorts (gnomAD); In silico analysis supports that this missense variant has a deleterious effect on protein structure/function; This variant is associated with the following publications: (PMID: 35401403, 35822697, 39072298, 22664156, 36221938, 36570541, 20167921, 19488902, 41178571, 24844136, 39583652)

Victorian Clinical Genetics Services, Murdoch Childrens Research Institute
Classification: Pathogenic for Cerebral arteriopathy, autosomal dominant, with subcortical infarcts and leukoencephalopathy, type 1. Last evaluated: 2025-12-22. Review status: criteria provided, single submitter. Criteria: ACMG Guidelines, 2015. Collection method: clinical testing. Allele origin: germline.
Comment: This variant is classified as Pathogenic. Evidence in support of pathogenic classification: Variant is present in gnomAD <0.01 (v4: 8 heterozygote(s), 0 homozygote(s)); This variant has strong previous evidence of pathogenicity in unrelated individuals. This variant has been classified as likely/pathogenic by clinical laboratories in ClinVar, and reported in multiple individuals with CADASIL in the literature (PMIDs: 39583652, 35401403, 35822697, 36221938, 22664156, 29370179); Variant is located in the well-established functional EGF domain and creates a cysteine residue (DECIPHER). Additional information: Variant is predicted to result in a missense amino acid change from Arg to Cys; This variant is heterozygous; This gene is associated with both recessive and dominant disease; Alternative amino acid change(s) at the same position are present in gnomAD (highest allele count: v4: 99 heterozygote(s), 0 homozygote(s)); Missense variant with inconclusive in silico prediction and/or uninformative conservation; The mechanism of disease for this gene is not clearly established. Both loss of function and dominant negative have been suggested as mechanisms in CADASIL (MIM#125310); however, lateral meningocele syndrome (MIM#130720) results from a gain of function (OMIM); Variants in this gene are known to have variable expressivity. Variants in the first six EGFr domains appear to be fully penetrant and are generally associated with classic CADASIL, while variants in later EGFr domains generally cause more mild disease (PMID: 20301673). In particular, p.(Arg544Cys) is associated with a later age of onset and milder clinical features than other NOTCH3 variants (PMIDs: 20301673, 26308724).

CeGaT Center for Human Genetics Tuebingen
Classification: Pathogenic. Last evaluated: 2025-09-01. Review status: criteria provided, single submitter. Criteria: CeGaT Center For Human Genetics Tuebingen Variant Classification Criteria Version 2. Collection method: clinical testing. Allele origin: germline. Affected: yes. Observed: 4 variant alleles.
Comment: NOTCH3: PM1:Strong, PS4, PM2

Labcorp Genetics (formerly Invitae), Labcorp
Classification: Pathogenic. Last evaluated: 2024-09-27. Review status: criteria provided, single submitter. Criteria: Invitae Variant Classification Sherloc (09022015). Collection method: clinical testing. Allele origin: germline.
Comment: This sequence change replaces arginine, which is basic and polar, with cysteine, which is neutral and slightly polar, at codon 592 of the NOTCH3 protein (p.Arg592Cys). This variant is present in population databases (no rsID available, gnomAD 0.0009%). This missense change has been observed in individuals with clinical features of CADASIL (PMID: 19488902, 20167921, 22664156; internal data). ClinVar contains an entry for this variant (Variation ID: 808495). Invitae Evidence Modeling of protein sequence and biophysical properties (such as structural, functional, and spatial information, amino acid conservation, physicochemical variation, residue mobility, and thermodynamic stability) indicates that this missense variant is expected to disrupt NOTCH3 protein function with a positive predictive value of 95%. For these reasons, this variant has been classified as Pathogenic.

Athena Diagnostics
Classification: Pathogenic. Last evaluated: 2023-03-30. Review status: criteria provided, single submitter. Criteria: Athena Diagnostics Criteria. Collection method: clinical testing. Allele origin: unknown.
Comment: The frequency of this variant in the general population is consistent with pathogenicity. This variant has been identified in at least one individual with clinical features associated with CADASIL. In some published literature, this variant is referred to as c.1852C>T. This variant alters a critical location within the protein, and is expected to severely affect function and cause disease. Greater than 90% of NOTCH3 pathogenic variants associated with CADASIL involve the gain or loss of a cysteine residue within the epidermal growth factor (EGF)-like repeat domain (PMID: 32457593, 20301673).

Institute of Human Genetics, University of Leipzig Medical Center
Classification: Likely pathogenic for Cerebral arteriopathy, autosomal dominant, with subcortical infarcts and leukoencephalopathy, type 1. Last evaluated: 2022-06-07. Review status: criteria provided, single submitter. Criteria: ACMG Guidelines, 2015. Collection method: clinical testing. Allele origin: unknown. Affected: yes.
Comment: _x000D_ Criteria applied: PS4_MOD, PM1, PM2_SUP, PP3

Blueprint Genetics
Classification: Likely pathogenic for NOTCH3-related disorders. Last evaluated: 2021-06-04. Review status: criteria provided, single submitter. Criteria: ACMG Guidelines, 2015. Collection method: clinical testing. Allele origin: germline. Affected: yes. Observed: 1 variant allele.

Juno Genomics, Hangzhou Juno Genomics, Inc
Classification: Likely pathogenic for Myofibromatosis, infantile, 2; Cerebral arteriopathy, autosomal dominant, with subcortical infarcts and leukoencephalopathy, type 1; Cerebral arteriopathy, autosomal recessive, with subcortical infarcts and leukoencephalopathy 1; Lateral meningocele syndrome; Familial partial lipodystrophy, Kobberling type. Review status: criteria provided, single submitter. Criteria: ACMG Guidelines, 2015. Collection method: clinical testing. Allele origin: germline.
Comment: Absent from controls (or at extremely low frequency if recessive) in Genome Aggregation Database.;Multiple lines of computational evidence support a deleterious effect on the gene or gene product.;The prevalence of the variant in affected individuals is significantly increased compared to the prevalence in controls.;Patient's phenotype or family history is highly specific for a disease with a single genetic etiology.;Located in a mutational hot spot and/or critical and well-established functional domain without benign variation.

Literature cited by the submitters: PubMed 29370179 (cited by Victorian Clinical Genetics Services, Murdoch Childrens Research Institute); PubMed 22664156 (cited by 3 submitters); PubMed 35822697 (cited by Victorian Clinical Genetics Services, Murdoch Childrens Research Institute); PubMed 20301673 (cited by Victorian Clinical Genetics Services, Murdoch Childrens Research Institute); PubMed 26308724 (cited by Victorian Clinical Genetics Services, Murdoch Childrens Research Institute); PubMed 39583652 (cited by Victorian Clinical Genetics Services, Murdoch Childrens Research Institute); PubMed 36221938 (cited by Victorian Clinical Genetics Services, Murdoch Childrens Research Institute); PubMed 35401403 (cited by Victorian Clinical Genetics Services, Murdoch Childrens Research Institute); PubMed 19488902 (cited by Labcorp Genetics (formerly Invitae), Labcorp and Athena Diagnostics); PubMed 20167921 (cited by Labcorp Genetics (formerly Invitae), Labcorp and Athena Diagnostics).

NM_000435.3(NOTCH3):c.1774C>T (p.Arg592Cys)

Gene: NOTCH3 (notch receptor 3; minus strand). Cytogenetic location: 19p13.12.
Variant type: single nucleotide variant.
Coding change: c.1774C>T on transcript NM_000435.3 (MANE Select); coding-DNA position 1774, C replaced by T.
Protein change: p.Arg592Cys; replaces arginine 592 with cysteine.
Molecular consequence: missense variant.
Genome position (GRCh38, 1-based): chr19:15,187,171, G>A on the plus strand (C>T on the coding strand, the complement: NOTCH3 is on the minus strand). VCF-style: chr19-15187171-G-A. GRCh37 (hg19) VCF-style: chr19-15297982-G-A.
Other names: short protein forms R592C.
Identifiers: ClinVar variation 808495 (VCV000808495.54), dbSNP rs764148985, ClinGen allele CA305774832.
Genomic context (GRCh38, chr19:15,187,171, plus strand): 5'-TCCCAGAAGGGCAGCGGCAGAGGTACTTGTCCACCAGGTCTAGGCATTTGCCGCCATGGC[G>A]GCAGGGCTGGCTGCGGCATTCGTCCACCTGGCTCTCGCAGCGTGTGCCCGTGTAGCCAGG-3'
Protein context (NP_000426.2, residues 582-602): QVDECRSQPC[Arg592Cys]HGGKCLDLVD